The following is an entry in ClinVar:

NM_015065.3(EXPH5):c.4058C>G (p.Ala1353Gly)

Gene: EXPH5 (exophilin 5; minus strand). Cytogenetic location: 11q22.3.
Variant type: single nucleotide variant.
Coding change: c.4058C>G on transcript NM_015065.3 (MANE Select); coding-DNA position 4058, C replaced by G.
Protein change: p.Ala1353Gly; replaces alanine 1353 with glycine.
Molecular consequence: missense variant.
Genome position (GRCh38, 1-based): chr11:108,511,449, G>C on the plus strand (C>G on the coding strand, the complement: EXPH5 is on the minus strand). VCF-style: chr11-108511449-G-C. GRCh37 (hg19) VCF-style: chr11-108382176-G-C.
Other names: c.3830C>G, p.Ala1277Gly (NM_001144763.2); c.3590C>G, p.Ala1197Gly (NM_001144764.2); c.3494C>G, p.Ala1165Gly (NM_001144765.2); c.4037C>G, p.Ala1346Gly (NM_001308019.2); short protein forms A1197G, A1277G, A1353G, A1165G, A1346G.
Identifiers: ClinVar variation 4020553 (VCV004020553.2).

ClinVar aggregate classification (germline): Uncertain significance. Review status: criteria provided, multiple submitters, no conflicts (2 of 4 stars). 2 submissions from 2 submitters: Uncertain significance (2). Last evaluated 2026-07-29.

Conditions:
EXPH5-related disorder. Also called: EXPH5-related condition.
Inborn genetic diseases. Identifiers: MedGen C0950123, MeSH D030342.

gnomAD v4.1: 49 of 1,584,646 alleles (0.0031%); highest among the groups gnomAD compares: African/African-American, 0.056%; no homozygotes.

Submissions (2):

PreventionGenetics, part of Exact Sciences
Classification: Uncertain significance for EXPH5-related condition. Last evaluated: 2026-07-29. Review status: criteria provided, single submitter. Criteria: ACMG Guidelines, 2015. Collection method: clinical testing. Allele origin: germline.
Comment: The EXPH5 c.4058C>G variant is predicted to result in the amino acid substitution p.Ala1353Gly. To our knowledge, this variant has not been reported in the literature. This variant is reported in 0.071% of alleles in individuals of African descent in gnomAD. Although we suspect that this variant may be benign, at this time, the clinical significance of this variant is uncertain due to the absence of conclusive functional and genetic evidence.

Ambry Genetics
Classification: Uncertain significance for Inborn genetic diseases. Last evaluated: 2025-03-28. Review status: criteria provided, single submitter. Criteria: Ambry Variant Classification Scheme 2023. Collection method: clinical testing. Allele origin: germline.